The following is an entry in ClinVar:

ClinVar aggregate classification (germline): Likely pathogenic (1 of 4 stars; one submission).

Conditions:
Ehlers-Danlos syndrome, type 4 (EDSVASC). Also called: Ehlers-Danlos Syndrome Type IV; Ehlers-Danlos syndrome vascular type; Ehlers Danlos syndrome, ecchymotic type; Ehlers Danlos syndrome, arterial type; Ehlers Danlos syndrome, Sack-Barabas type. Identifiers: Orphanet 286, MedGen C0268338, MONDO:0017314, OMIM 130050.

Submission:

Labcorp Genetics (formerly Invitae), Labcorp
Classification: Likely pathogenic for Ehlers-Danlos syndrome, type 4. Last evaluated: 2024-07-01. Review status: criteria provided, single submitter. Criteria: Invitae Variant Classification Sherloc (09022015). Collection method: clinical testing. Allele origin: germline.
Comment: This sequence change affects a donor splice site in intron 11 of the COL3A1 gene. It is expected to disrupt RNA splicing. Variants that disrupt the donor or acceptor splice site typically lead to a loss of protein function (PMID: 16199547), and loss-of-function variants in COL3A1 are known to be pathogenic (PMID: 24922459). This variant is not present in population databases (gnomAD no frequency). This variant has not been reported in the literature in individuals affected with COL3A1-related conditions. Algorithms developed to predict the effect of sequence changes on RNA splicing suggest that this variant may disrupt the consensus splice site. In summary, the currently available evidence indicates that the variant is pathogenic, but additional data are needed to prove that conclusively. Therefore, this variant has been classified as Likely Pathogenic.

Literature cited by the submitters: PubMed 16199547; PubMed 24922459.

NM_000090.4(COL3A1):c.852+1G>A

Gene: COL3A1 (collagen type III alpha 1 chain; plus strand). Cytogenetic location: 2q32.2.
Variant type: single nucleotide variant.
Coding change: c.852+1G>A on transcript NM_000090.4 (MANE Select); the canonical splice donor site of the intron after coding-DNA position 852, G replaced by A.
Molecular consequence: splice donor variant.
Genome position (GRCh38, 1-based): chr2:188,991,058, G>A. VCF-style: chr2-188991058-G-A. GRCh37 (hg19) VCF-style: chr2-189855784-G-A.
Identifiers: ClinVar variation 2709184 (VCV002709184.3), dbSNP rs2469120517, ClinGen allele CA349849852.